The following is an entry in ClinVar:

NM_018100.4(EFHC1):c.125G>A (p.Arg42His)

Gene: EFHC1 (EF-hand domain containing 1; plus strand). Cytogenetic location: 6p12.2.
Variant type: single nucleotide variant.
Coding change: c.125G>A on transcript NM_018100.4 (MANE Select); coding-DNA position 125, G replaced by A.
Protein change: p.Arg42His; replaces arginine 42 with histidine.
Molecular consequence: missense variant. On other transcripts: non-coding transcript variant (1).
Genome position (GRCh38, 1-based): chr6:52,424,007, G>A. VCF-style: chr6-52424007-G-A. GRCh37 (hg19) VCF-style: chr6-52288805-G-A.
Other names: c.68G>A, p.Arg23His (NM_001172420.2); short protein forms R42H, R23H.
Identifiers: ClinVar variation 411575 (VCV000411575.12), dbSNP rs773598517, ClinGen allele CA16612062.

ClinVar aggregate classification (germline): Uncertain significance (1 of 4 stars; one submission).

Conditions:
Myoclonic epilepsy, juvenile, susceptibility to, 1. Also called: Myoclonic Epilepsy, Juvenile, 1; EJM1. Identifiers: MedGen C1850778, MONDO:0020752, OMIM 254770.
Absence seizure. Also called: Absence epilepsy. Identifiers: Orphanet 1941, MedGen C0014553.

Allele frequency attached by ClinVar (database versions not stated): gnomAD 0.00001.
gnomAD v4.1: 7 of 1,613,922 alleles (0.00043%); highest among the groups gnomAD compares: Middle Eastern, 0.016%; no homozygotes.

Submission:

Labcorp Genetics (formerly Invitae), Labcorp
Classification: Uncertain significance for Myoclonic epilepsy, juvenile, susceptibility to, 1; Absence seizure. Last evaluated: 2019-07-17. Review status: criteria provided, single submitter. Criteria: Invitae Variant Classification Sherloc (09022015). Collection method: clinical testing. Allele origin: germline.
Comment: Algorithms developed to predict the effect of missense changes on protein structure and function output the following: (SIFT: "Tolerated"; PolyPhen-2: "Benign"; Align-GVGD: "Class C0"). The histidine amino acid residue is also found in multiple mammalian species, suggesting that this missense change does not adversely affect protein function. These predictions have not been confirmed by published functional studies. This variant is not present in population databases (ExAC no frequency) and has not been reported in the literature in individuals with a EFHC1-related disease. This sequence change replaces arginine with histidine at codon 42 of the EFHC1 protein (p.Arg42His). The arginine residue is moderately conserved and there is a small physicochemical difference between arginine and histidine. In summary, this variant is a novel missense change that is not predicted to affect protein function. There is no indication that it causes disease, but the available evidence is currently insufficient to prove that conclusively. Therefore, it has been classified as a Variant of Uncertain Significance.